The following is an entry in ClinVar:

NM_000936.4(PNLIP):c.281T>C (p.Phe94Ser)

Gene: PNLIP (pancreatic lipase; plus strand). Cytogenetic location: 10q25.3.
Variant type: single nucleotide variant.
Coding change: c.281T>C on transcript NM_000936.4 (MANE Select); coding-DNA position 281, T replaced by C.
Protein change: p.Phe94Ser; replaces phenylalanine 94 with serine.
Molecular consequence: missense variant.
Genome position (GRCh38, 1-based): chr10:116,548,439, T>C. VCF-style: chr10-116548439-T-C. GRCh37 (hg19) VCF-style: chr10-118307951-T-C.
Other names: short protein forms F94S.
Identifiers: ClinVar variation 3016342 (VCV003016342.3), dbSNP rs747234244, ClinGen allele CA5706419.
Genomic context (GRCh38, chr10:116,548,439, plus strand): 5'-CAAGCATCAGTGGCTCCAATTTCAAAACAAATAGAAAAACTCGCTTTATTATTCATGGAT[T>C]CATAGACAAGGGAGAAGAAAACTGGCTGGCCAATGTGTGCAAGGTGAGATGTGGTCATCT-3'
Protein context (NP_000927.1, residues 84-104): NRKTRFIIHG[Phe94Ser]IDKGEENWLA

ClinVar aggregate classification (germline): Uncertain significance (1 of 4 stars; one submission).

Allele frequency attached by ClinVar (database versions not stated): ExAC 0.00001; gnomAD 0.00001; TOPMed 0.00002.
gnomAD v4.1: 72 of 1,613,914 alleles (0.0045%); highest among the groups gnomAD compares: Non-Finnish European, 0.006%; no homozygotes.

Submission:

Labcorp Genetics (formerly Invitae), Labcorp
Classification: Uncertain significance. Last evaluated: 2024-05-10. Review status: criteria provided, single submitter. Criteria: Invitae Variant Classification Sherloc (09022015). Collection method: clinical testing. Allele origin: germline.
Comment: This sequence change replaces phenylalanine, which is neutral and non-polar, with serine, which is neutral and polar, at codon 94 of the PNLIP protein (p.Phe94Ser). This variant is present in population databases (rs747234244, gnomAD 0.0009%). This variant has not been reported in the literature in individuals affected with PNLIP-related conditions. Advanced modeling of protein sequence and biophysical properties (such as structural, functional, and spatial information, amino acid conservation, physicochemical variation, residue mobility, and thermodynamic stability) performed at Invitae indicates that this missense variant is expected to disrupt PNLIP protein function with a positive predictive value of 80%. In summary, the available evidence is currently insufficient to determine the role of this variant in disease. Therefore, it has been classified as a Variant of Uncertain Significance.